The following is an entry in ClinVar:

NM_017849.4(TMEM127):c.435C>G (p.Gly145=)

Gene: TMEM127 (transmembrane protein 127; minus strand). Cytogenetic location: 2q11.2.
Variant type: single nucleotide variant.
Coding change: c.435C>G on transcript NM_017849.4 (MANE Select); coding-DNA position 435, C replaced by G.
Protein change: p.Gly145=; no amino-acid change (glycine 145 retained).
Molecular consequence: synonymous variant.
Genome position (GRCh38, 1-based): chr2:96,254,090, G>C on the plus strand (C>G on the coding strand, the complement: TMEM127 is on the minus strand). VCF-style: chr2-96254090-G-C. GRCh37 (hg19) VCF-style: chr2-96919828-G-C.
Other names: c.435C>G, p.Gly145= (NM_001193304.3).
Identifiers: ClinVar variation 824821 (VCV000824821.36), dbSNP rs761795793, ClinGen allele CA1777303.
Genomic context (GRCh38, chr2:96,254,090, plus strand): 5'-ATGGTACTTCTTATGCTGCTGCTGCTGGGCCAAGATGAGTTCAGAAGCCCAATAAGAAAA[G>C]CCAATGACGGTGGCACACTGCAGAACTAGGAGACAGAGGGACAGCACAGAAGGGGAATTA-3'
Protein context (NP_060319.1, residues 135-155): LTVLQCATVI[Gly145=]FSYWASELIL

ClinVar aggregate classification (germline): Benign/Likely benign. Review status: criteria provided, multiple submitters, no conflicts (2 of 4 stars). 4 submissions from 4 submitters: Benign (1); Likely benign (3). Last evaluated 2026-09-30.

Conditions:
Hereditary cancer-predisposing syndrome. Also called: Hereditary neoplastic syndrome; Neoplastic Syndromes, Hereditary; Tumor predisposition; Hereditary Cancer Syndrome. Identifiers: Orphanet 140162, MedGen C0027672, MeSH D009386, MONDO:0015356.
Hereditary pheochromocytoma and paraganglioma. Also called: Hereditary pheochromocytoma-paraganglioma; Hereditary paragangliomas and pheochromocytomas; Hereditary Paraganglioma-Pheochromocytoma Syndromes. Identifiers: Orphanet 29072, MedGen C4274332, MONDO:0017366.

Allele frequency attached by ClinVar (database versions not stated): gnomAD exomes below 0.00001 and 0.00001; ExAC 0.00002.
gnomAD v4.1: 2 of 1,614,120 alleles (0.00012%); highest among the groups gnomAD compares: Middle Eastern, 0.016%; no homozygotes.

Submissions (4):

Myriad Genetics, Inc.
Classification: Benign for Hereditary pheochromocytoma and paraganglioma. Last evaluated: 2026-09-30. Review status: criteria provided, single submitter. Criteria: Myriad Autosomal Dominant, Autosomal Recessive and X-Linked Classification Criteria (2023). Collection method: clinical testing. Allele origin: unknown.
Comment: This variant is considered benign. This variant is a silent/synonymous amino acid change and it is not expected to impact splicing.

Labcorp Genetics (formerly Invitae), Labcorp
Classification: Likely benign for Hereditary pheochromocytoma and paraganglioma. Last evaluated: 2025-12-03. Review status: criteria provided, single submitter. Criteria: Invitae Variant Classification Sherloc (09022015). Collection method: clinical testing. Allele origin: germline.

CeGaT Center for Human Genetics Tuebingen
Classification: Likely benign. Last evaluated: 2025-06-01. Review status: criteria provided, single submitter. Criteria: CeGaT Center For Human Genetics Tuebingen Variant Classification Criteria Version 2. Collection method: clinical testing. Allele origin: germline. Affected: yes. Observed: 3 variant alleles.
Comment: TMEM127: BP4, BP7

Ambry Genetics
Classification: Likely benign for Hereditary cancer-predisposing syndrome. Last evaluated: 2018-05-09. Review status: criteria provided, single submitter. Criteria: Ambry Variant Classification Scheme 2023. Collection method: clinical testing. Allele origin: germline.